The following is an entry in ClinVar:

ClinVar aggregate classification (germline): Likely benign. Review status: criteria provided, single submitter (1 of 4 stars). 2 submissions from 2 submitters: Likely benign (1). 1 of the submissions does not count toward it. Last evaluated 2025-07-01.

Conditions:
DAGLA-related disorder. Also called: DAGLA-related condition.

Allele frequency attached by ClinVar (database versions not stated): gnomAD exomes 0.00015; ExAC 0.00038; ESP Exome Variant Server 0.00108; gnomAD 0.00136; TOPMed 0.00161; 1000 Genomes Project 30x 0.00172; 1000 Genomes Project 0.00180.
gnomAD v4.1: 419 of 1,577,416 alleles (0.027%); highest among the groups gnomAD compares: African/African-American, 0.54%; 4 homozygotes.

Submissions (2):

CeGaT Center for Human Genetics Tuebingen
Classification: Likely benign. Last evaluated: 2025-07-01. Review status: criteria provided, single submitter. Criteria: CeGaT Center For Human Genetics Tuebingen Variant Classification Criteria Version 2. Collection method: clinical testing. Allele origin: germline. Affected: yes. Observed: 1 variant allele.
Comment: DAGLA: BS2

PreventionGenetics, part of Exact Sciences
Classification: Likely benign for DAGLA-related condition. Last evaluated: 2019-05-03. Review status: no assertion criteria provided. Collection method: clinical testing. Allele origin: germline. Not counted in ClinVar's aggregate classification.
Comment: This variant is classified as likely benign based on ACMG/AMP sequence variant interpretation guidelines (Richards et al. 2015 PMID: 25741868, with internal and published modifications).

NM_006133.3(DAGLA):c.2249C>T (p.Ala750Val)

Gene: DAGLA (diacylglycerol lipase alpha; plus strand). Cytogenetic location: 11q12.2.
Variant type: single nucleotide variant.
Coding change: c.2249C>T on transcript NM_006133.3 (MANE Select); coding-DNA position 2249, C replaced by T.
Protein change: p.Ala750Val; replaces alanine 750 with valine.
Molecular consequence: missense variant.
Genome position (GRCh38, 1-based): chr11:61,743,609, C>T. VCF-style: chr11-61743609-C-T. GRCh37 (hg19) VCF-style: chr11-61511081-C-T.
Other names: short protein forms A750V.
Identifiers: ClinVar variation 3037919 (VCV003037919.10), dbSNP rs144674730, ClinGen allele CA6037151.
Genomic context (GRCh38, chr11:61,743,609, plus strand): 5'-AGATGAGCCTGGAGGGCTTCTCGGAGGGGCGGCTGCTGTCGCCAGTGGTTGCGGCGGCGG[C>T]CCGCCAGGACCCGGTGGAGCTGCTGCTGCTGTCTACCCAGGAGCGGCTGGCGGCGGAGCT-3'
Protein context (NP_006124.1, residues 740-760): RLLSPVVAAA[Ala750Val]RQDPVELLLL